The following is an entry in ClinVar:

ClinVar aggregate classification (germline): Conflicting classifications of pathogenicity. Review status: criteria provided, conflicting classifications (1 of 4 stars). 2 submissions from 2 submitters: Uncertain significance (1); Likely benign (1). Last evaluated 2025-01-27.

Conditions:
Peutz-Jeghers syndrome (PJS). Also called: POLYPOSIS, HAMARTOMATOUS INTESTINAL; POLYPS-AND-SPOTS SYNDROME; Peutz-Jeghers polyposis; Periorificial lentiginosis syndrome. Identifiers: Orphanet 2869, MedGen C0031269, MeSH D010580, MONDO:0008280, OMIM 175200.
Hereditary cancer-predisposing syndrome. Also called: Tumor predisposition; Hereditary neoplastic syndrome; Neoplastic Syndromes, Hereditary; Hereditary Cancer Syndrome. Identifiers: Orphanet 140162, MedGen C0027672, MeSH D009386, MONDO:0015356.

Allele frequency attached by ClinVar (database versions not stated): gnomAD exomes below 0.00001.
gnomAD v4.1: 1 of 1,584,474 alleles (0.000063%); highest among the groups gnomAD compares: South Asian, 0.0011%; no homozygotes.

Submissions (2):

Ambry Genetics
Classification: Likely benign for Hereditary cancer-predisposing syndrome. Last evaluated: 2025-01-27. Review status: criteria provided, single submitter. Criteria: Ambry Variant Classification Scheme 2023. Collection method: clinical testing. Allele origin: germline.

Labcorp Genetics (formerly Invitae), Labcorp
Classification: Uncertain significance for Peutz-Jeghers syndrome. Last evaluated: 2021-01-12. Review status: criteria provided, single submitter. Criteria: Invitae Variant Classification Sherloc (09022015). Collection method: clinical testing. Allele origin: germline.
Comment: In summary, the available evidence is currently insufficient to determine the role of this variant in disease. Therefore, it has been classified as a Variant of Uncertain Significance. Advanced modeling of experimental studies (such as gene expression, population dynamics, functional pathways, and cell-cycle effects in cell culture) performed at Invitae indicates that this missense variant is not expected to disrupt STK11 protein function. This variant has not been reported in the literature in individuals with STK11-related conditions. This variant is not present in population databases (ExAC no frequency). This sequence change replaces proline with glutamine at codon 319 of the STK11 protein (p.Pro319Gln). The proline residue is weakly conserved and there is a moderate physicochemical difference between proline and glutamine.

NM_000455.5(STK11):c.956C>A (p.Pro319Gln)

Gene: STK11 (serine/threonine kinase 11; plus strand). Cytogenetic location: 19p13.3.
Variant type: single nucleotide variant.
Coding change: c.956C>A on transcript NM_000455.5 (MANE Select); coding-DNA position 956, C replaced by A.
Protein change: p.Pro319Gln; replaces proline 319 with glutamine.
Molecular consequence: missense variant.
Genome position (GRCh38, 1-based): chr19:1,223,020, C>A. VCF-style: chr19-1223020-C-A. GRCh37 (hg19) VCF-style: chr19-1223019-C-A.
Other names: short protein forms P319Q.
Identifiers: ClinVar variation 1502022 (VCV001502022.11), dbSNP rs1181445340, ClinGen allele CA402951532.